The following is an entry in ClinVar:

NM_000702.4(ATP1A2):c.869_872del (p.Ile290fs)

Gene: ATP1A2 (ATPase Na+/K+ transporting subunit alpha 2; plus strand). Cytogenetic location: 1q23.2.
Variant type: Deletion.
Coding change: c.869_872del on transcript NM_000702.4 (MANE Select); coding-DNA positions 869 to 872, 4 bases deleted (TCCA; older notation c.869_872delTCCA).
Protein change: p.Ile290fs; shifts the reading frame from isoleucine 290.
Molecular consequence: frameshift variant.
Genome position (GRCh38, 1-based): chr1:160,127,672-160,127,675, TCCA deleted; deleting any 4 consecutive bases within chr1:160,127,670-160,127,675 gives the same sequence; the c. name uses the placement nearest the transcript's 3' end. VCF-style (leftmost placement, unchanged base first): chr1-160127669-TCATC-T. GRCh37 (hg19) VCF-style: chr1-160097459-TCATC-T.
Other names: short protein forms I290fs.
Identifiers: ClinVar variation 1943929 (VCV001943929.7), dbSNP rs761168835, ClinGen allele CA31493347.
Genomic context (GRCh38, chr1:160,127,669, plus strand): 5'-CTACTCTCGCCTCAGGCCTGGAGGTTGGGCGGACACCCATAGCAATGGAGATTGAACACT[TCATC>T]CAGCTGATCACAGGGGTCGCTGTATTCCTGGGGGTCTCCTTCTTCGTGCTCTCCCTCATC-3'

ClinVar aggregate classification (germline): Pathogenic/Likely pathogenic. Review status: criteria provided, multiple submitters, no conflicts (2 of 4 stars). 2 submissions from 2 submitters: Pathogenic (1); Likely pathogenic (1). Last evaluated 2026-04-14.

Conditions:
Familial hemiplegic migraine. Identifiers: MedGen C0338484, MONDO:0000700.
ATP1A2-related disorder. Also called: ATP1A2-related condition; ATP1A2-RELATED DISORDERS.

Submissions (2):

PreventionGenetics, part of Exact Sciences
Classification: Likely pathogenic for ATP1A2-related condition. Last evaluated: 2026-04-14. Review status: criteria provided, single submitter. Criteria: ACMG Guidelines, 2015. Collection method: clinical testing. Allele origin: germline.
Comment: The ATP1A2 c.869_872delTCCA variant is predicted to result in a frameshift and premature protein termination (p.Ile290Serfs*2). To our knowledge, this variant has not been reported in the literature or in a large population database (gnomAD), indicating it is rare. Frameshift variants in ATP1A2 are expected to be pathogenic. This variant is interpreted as likely pathogenic.

Labcorp Genetics (formerly Invitae), Labcorp
Classification: Pathogenic for Familial hemiplegic migraine. Last evaluated: 2024-03-27. Review status: criteria provided, single submitter. Criteria: Invitae Variant Classification Sherloc (09022015). Collection method: clinical testing. Allele origin: germline.
Comment: This sequence change creates a premature translational stop signal (p.Ile290Serfs*2) in the ATP1A2 gene. It is expected to result in an absent or disrupted protein product. Loss-of-function variants in ATP1A2 are known to be pathogenic (PMID: 30690204). This variant is not present in population databases (gnomAD no frequency). This variant has not been reported in the literature in individuals affected with ATP1A2-related conditions. ClinVar contains an entry for this variant (Variation ID: 1943929). Algorithms developed to predict the effect of sequence changes on RNA splicing suggest that this variant may disrupt the consensus splice site. For these reasons, this variant has been classified as Pathogenic.

Literature cited by the submitters: PubMed 30690204 (cited by Labcorp Genetics (formerly Invitae), Labcorp).